The following is an entry in ClinVar:

NM_000448.3(RAG1):c.15C>G (p.Phe5Leu)

Gene: RAG1 (recombination activating 1; plus strand). Cytogenetic location: 11p12.
Variant type: single nucleotide variant.
Coding change: c.15C>G on transcript NM_000448.3 (MANE Select); coding-DNA position 15, C replaced by G.
Protein change: p.Phe5Leu; replaces phenylalanine 5 with leucine.
Molecular consequence: missense variant.
Genome position (GRCh38, 1-based): chr11:36,573,319, C>G. VCF-style: chr11-36573319-C-G. GRCh37 (hg19) VCF-style: chr11-36594869-C-G.
Other names: NM_000448.3(RAG1):c.15C>G; p.Phe5Leu; c.15C>G, p.Phe5Leu (NM_001377277.1, NM_001377278.1, NM_001377279.1 and 1 more transcripts); short protein forms F5L.
Identifiers: ClinVar variation 971195 (VCV000971195.8), dbSNP rs745600099, ClinGen allele CA5949888.
Genomic context (GRCh38, chr11:36,573,319, plus strand): 5'-GTCTTAATATGACTTGTTTTCATTGTTCTCAGGTACCTCAGCCAGCATGGCAGCCTCTTT[C>G]CCACCCACCTTGGGACTCAGTTCTGCCCCAGATGAAATTCAGCACCCACATATTAAATTT-3'
Protein context (NP_000439.2, residues 1-15): MAAS[Phe5Leu]PPTLGLSSAP

ClinVar aggregate classification (germline): Uncertain significance. Review status: reviewed by expert panel (3 of 4 stars). 3 submissions from 3 submitters: Uncertain significance (1). 2 of the submissions do not count toward it. Last evaluated 2024-04-23.

Conditions:
Recombinase activating gene 1 deficiency. Identifiers: MedGen CN375631, MONDO:0000572.
Combined immunodeficiency with skin granulomas. Identifiers: Orphanet 157949, MedGen C2673536, MONDO:0009306, OMIM 233650.
Severe combined immunodeficiency, autosomal recessive, T cell-negative, B cell-negative, NK cell-positive. Also called: SCID, T CELL-NEGATIVE, B CELL-NEGATIVE, NK CELL-POSITIVE; SCID, AR, T-cell negative, B-cell negative, NK cell-positive; Severe combined immunodeficiency due to complete RAG1/2 deficiency. Identifiers: Orphanet 331206, MedGen C1832322, MONDO:0011086, OMIM 601457.
Histiocytic medullary reticulosis. Also called: SEVERE COMBINED IMMUNODEFICIENCY WITH HYPEREOSINOPHILIA; Omenn syndrome. Identifiers: Orphanet 39041, MedGen C2700553, MONDO:0011338, OMIM 603554.

Allele frequency attached by ClinVar (database versions not stated): gnomAD 0.00001; TOPMed 0.00001; ExAC 0.00002.
gnomAD v4.1: 10 of 1,614,040 alleles (0.00062%); highest among the groups gnomAD compares: Non-Finnish European, 0.00085%; no homozygotes.

Submissions (3):

ClinGen Severe Combined Immunodeficiency Variant Curation Expert Panel, ClinGen
Classification: Uncertain significance for Recombinase activating gene 1 deficiency. Last evaluated: 2024-04-23. Review status: reviewed by expert panel. Criteria: ClinGen SCID ACMG Specifications RAG1 V1.0.0. Collection method: curation. Allele origin: germline. Inheritance: Autosomal recessive inheritance.
Comment: The NM_000448.3:c.15C>G variant in RAG1 is a missense variant predicted to cause a substitution of phenylalanine by leucine at amino acid 5 (p.Phe5Leu). The Popmax filtering allele frequency of this variant in gnomAD v2.1.1 is 0.00000292, which is lower than the SCID-VCEP’s threshold for PM2 (<0.000102). No homozygous individual has been observed in the gnomAD v2.1.1 (PM2_Supporting). This variant has not been reported in the literature in individuals with SCID. In ClinVar, the variant was reported in one affected individual who didn't have a second RAG1 variant, and the variant was classified as a Variant of Uncertain Significance (Invitae, SCV001420312.4). There is no functional evidence for this variant. Due to insufficient evidence, this variant is classified as a variant of uncertain significance for SCID. ACMG/AMP criteria applied, as specified by the ClinGen SCID-VCEP: PM2_supporting (SCID VCEP specifications version 1.0).

Department of Pathology and Laboratory Medicine, Sinai Health System
Classification: Uncertain significance for Combined immunodeficiency with skin granulomas; Severe combined immunodeficiency, autosomal recessive, T cell-negative, B cell-negative, NK cell-positive; Histiocytic medullary reticulosis. Last evaluated: 2023-01-06. Review status: criteria provided, single submitter. Criteria: ACMG Guidelines, 2015. Collection method: research. Allele origin: germline. Not counted in ClinVar's aggregate classification.

Labcorp Genetics (formerly Invitae), Labcorp
Classification: Uncertain significance for Combined immunodeficiency with skin granulomas; Severe combined immunodeficiency, autosomal recessive, T cell-negative, B cell-negative, NK cell-positive. Last evaluated: 2019-11-13. Review status: criteria provided, single submitter. Criteria: Invitae Variant Classification Sherloc (09022015). Collection method: clinical testing. Allele origin: germline. Not counted in ClinVar's aggregate classification.
Comment: In summary, the available evidence is currently insufficient to determine the role of this variant in disease. Therefore, it has been classified as a Variant of Uncertain Significance. Algorithms developed to predict the effect of missense changes on protein structure and function output the following: SIFT: "Tolerated"; PolyPhen-2: "Benign"; Align-GVGD: "Class C0". The leucine amino acid residue is found in multiple mammalian species, suggesting that this missense change does not adversely affect protein function. These predictions have not been confirmed by published functional studies and their clinical significance is uncertain. This variant has not been reported in the literature in individuals with RAG1-related conditions. This variant is present in population databases (rs745600099, ExAC 0.003%). This sequence change replaces phenylalanine with leucine at codon 5 of the RAG1 protein (p.Phe5Leu). The phenylalanine residue is weakly conserved and there is a small physicochemical difference between phenylalanine and leucine.